The following is an entry in ClinVar:

NC_000008.10:g.(?_42693361)_(42693532_?)del

Gene: THAP1 (THAP domain containing 1; minus strand). Cytogenetic location: 8p11.21.
Variant type: Deletion.
Identifiers: ClinVar variation 3245506 (VCV003245506.1).

ClinVar aggregate classification (germline): Uncertain significance (1 of 4 stars; one submission).

Conditions:
Torsion dystonia 6 (DYT6). Also called: DYT-THAP1. Identifiers: Orphanet 98806, MedGen C1414216, MONDO:0011264, OMIM 602629.

Submission:

Labcorp Genetics (formerly Invitae), Labcorp
Classification: Uncertain significance for Torsion dystonia 6. Last evaluated: 2019-10-11. Review status: criteria provided, single submitter. Criteria: Invitae Variant Classification Sherloc (09022015). Collection method: clinical testing. Allele origin: unknown.
Comment: This variant results in the deletion of part of exon 3 (c.268-53_386del) of the THAP1 gene. While this is not anticipated to result in nonsense mediated decay, it likely alters RNA splicing and results in a disrupted protein product. In summary, the available evidence is currently insufficient to determine the role of this variant in disease. Therefore, it has been classified as a Variant of Uncertain Significance. Experimental studies and prediction algorithms are not available or were not evaluated, and the functional significance of this variant is currently unknown. This variant has not been reported in the literature in individuals with THAP1-related conditions.